The following is an entry in ClinVar:

NM_015330.6(SPECC1L):c.1244A>G (p.Gln415Arg)

Genes: SPECC1L (sperm antigen with calponin homology and coiled-coil domains 1 like; plus strand), SPECC1L-ADORA2A (SPECC1L-ADORA2A readthrough (NMD candidate); plus strand). Cytogenetic location: 22q11.23.
Variant type: single nucleotide variant.
Coding change: c.1244A>G on transcript NM_015330.6 (MANE Select); coding-DNA position 1244, A replaced by G.
Protein change: p.Gln415Arg; replaces glutamine 415 with arginine.
Molecular consequence: missense variant. On other transcripts: non-coding transcript variant (1).
Genome position (GRCh38, 1-based): chr22:24,322,224, A>G. VCF-style: chr22-24322224-A-G. GRCh37 (hg19) VCF-style: chr22-24718192-A-G.
Other names: c.1244A>G, p.Gln415Arg (NM_001145468.4, NM_001254732.3); short protein forms Q415R.
Identifiers: ClinVar variation 2704383 (VCV002704383.4), dbSNP rs387907108, ClinGen allele CA410968185.

ClinVar aggregate classification (germline): Conflicting classifications of pathogenicity. Review status: criteria provided, conflicting classifications (1 of 4 stars). 2 submissions from 2 submitters: Pathogenic (1); Uncertain significance (1). Last evaluated 2024-07-10.

Submissions (2):

GeneDx
Classification: Pathogenic. Last evaluated: 2024-07-10. Review status: criteria provided, single submitter. Criteria: GeneDx Variant Classification Process June 2021. Collection method: clinical testing. Allele origin: germline. Affected: yes.
Comment: Not observed at significant frequency in large population cohorts (gnomAD); In silico analysis supports that this missense variant has a deleterious effect on protein structure/function; This variant is associated with the following publications: (PMID: 37532501, 31953237)

Labcorp Genetics (formerly Invitae), Labcorp
Classification: Uncertain significance. Last evaluated: 2023-12-20. Review status: criteria provided, single submitter. Criteria: Invitae Variant Classification Sherloc (09022015). Collection method: clinical testing. Allele origin: germline.
Comment: This sequence change replaces glutamine, which is neutral and polar, with arginine, which is basic and polar, at codon 415 of the SPECC1L protein (p.Gln415Arg). This variant is not present in population databases (gnomAD no frequency). This missense change has been observed in individual(s) with SPECC1L-related condition (Invitae). An algorithm developed to predict the effect of missense changes on protein structure and function (PolyPhen-2) suggests that this variant is likely to be disruptive. In summary, the available evidence is currently insufficient to determine the role of this variant in disease. Therefore, it has been classified as a Variant of Uncertain Significance.